The following is an entry in ClinVar:

ClinVar aggregate classification (germline): Likely benign. Review status: criteria provided, multiple submitters, no conflicts (2 of 4 stars). 2 submissions from 2 submitters: Likely benign (2). Last evaluated 2026-01-26.

Allele frequency attached by ClinVar (database versions not stated): gnomAD exomes 0.00012; ExAC 0.00017; TOPMed 0.00048; ESP Exome Variant Server 0.00054; gnomAD 0.00058 and 0.00062; 1000 Genomes Project 30x 0.00078; 1000 Genomes Project 0.00080.
gnomAD v4.1: 173 of 1,611,006 alleles (0.011%); highest among the groups gnomAD compares: African/African-American, 0.21%; no homozygotes.

Submissions (2):

Labcorp Genetics (formerly Invitae), Labcorp
Classification: Likely benign. Last evaluated: 2026-01-26. Review status: criteria provided, single submitter. Criteria: Invitae Variant Classification Sherloc (09022015). Collection method: clinical testing. Allele origin: germline.

CeGaT Center for Human Genetics Tuebingen
Classification: Likely benign. Last evaluated: 2025-03-01. Review status: criteria provided, single submitter. Criteria: CeGaT Center For Human Genetics Tuebingen Variant Classification Criteria Version 2. Collection method: clinical testing. Allele origin: germline. Affected: yes. Observed: 1 variant allele.
Comment: PPP2CA: BP4, BS1

NM_002715.4(PPP2CA):c.62A>G (p.Lys21Arg)

Genes: MIR3661 (microRNA 3661; plus strand), PPP2CA (protein phosphatase 2 catalytic subunit alpha; minus strand). Cytogenetic location: 5q31.1.
Variant type: single nucleotide variant.
Coding change: c.62A>G on transcript NM_002715.4 (MANE Select); coding-DNA position 62, A replaced by G.
Protein change: p.Lys21Arg; replaces lysine 21 with arginine.
Molecular consequence: missense variant. On other transcripts: non-coding transcript variant (1).
Genome position (GRCh38, 1-based): chr5:134,225,800, T>C on the plus strand (A>G on the coding strand, the complement: PPP2CA is on the minus strand). VCF-style: chr5-134225800-T-C. GRCh37 (hg19) VCF-style: chr5-133561491-T-C.
Other names: short protein forms K21R.
Identifiers: ClinVar variation 1562942 (VCV001562942.15), dbSNP rs142542860, ClinGen allele CA3412914.